The following is an entry in ClinVar:

NM_002291.3(LAMB1):c.3403G>A (p.Asp1135Asn)

Gene: LAMB1 (laminin subunit beta 1; minus strand). Cytogenetic location: 7q31.1.
Variant type: single nucleotide variant.
Coding change: c.3403G>A on transcript NM_002291.3 (MANE Select); coding-DNA position 3403, G replaced by A.
Protein change: p.Asp1135Asn; replaces aspartic acid 1135 with asparagine.
Molecular consequence: missense variant.
Genome position (GRCh38, 1-based): chr7:107,940,347, C>T on the plus strand (G>A on the coding strand, the complement: LAMB1 is on the minus strand). VCF-style: chr7-107940347-C-T. GRCh37 (hg19) VCF-style: chr7-107580792-C-T.
Other names: short protein forms D1135N.
Identifiers: ClinVar variation 2182050 (VCV002182050.4), dbSNP rs1444610800, ClinGen allele CA368859333.

ClinVar aggregate classification (germline): Uncertain significance (1 of 4 stars; one submission).

Allele frequency attached by ClinVar (database versions not stated): TOPMed below 0.00001; gnomAD 0.00001; gnomAD exomes 0.00001.

Submission:

Labcorp Genetics (formerly Invitae), Labcorp
Classification: Uncertain significance. Last evaluated: 2022-08-22. Review status: criteria provided, single submitter. Criteria: Invitae Variant Classification Sherloc (09022015). Collection method: clinical testing. Allele origin: germline.
Comment: This variant has not been reported in the literature in individuals affected with LAMB1-related conditions. Algorithms developed to predict the effect of missense changes on protein structure and function are either unavailable or do not agree on the potential impact of this missense change (SIFT: "Deleterious"; PolyPhen-2: "Benign"; Align-GVGD: "Class C15"). In summary, the available evidence is currently insufficient to determine the role of this variant in disease. Therefore, it has been classified as a Variant of Uncertain Significance. This variant is present in population databases (no rsID available, gnomAD 0.0009%). This sequence change replaces aspartic acid, which is acidic and polar, with asparagine, which is neutral and polar, at codon 1135 of the LAMB1 protein (p.Asp1135Asn).